The following is an entry in ClinVar:

ClinVar aggregate classification (germline): Likely benign (0 of 4 stars; one submission).

Conditions:
HNRNPA1-related disorder. Also called: HNRNPA1-related condition.

gnomAD v4.1: 109 of 1,607,752 alleles (0.0068%); highest among the groups gnomAD compares: Admixed American, 0.012%; 1 homozygote.

Submission:

PreventionGenetics, part of Exact Sciences
Classification: Likely benign for HNRNPA1-related condition. Last evaluated: 2024-06-28. Review status: no assertion criteria provided. Collection method: clinical testing. Allele origin: germline.
Comment: This variant is classified as likely benign based on ACMG/AMP sequence variant interpretation guidelines (Richards et al. 2015 PMID: 25741868, with internal and published modifications).

NM_031157.4(HNRNPA1):c.876C>T (p.Asn292=)

Gene: HNRNPA1 (heterogeneous nuclear ribonucleoprotein A1; plus strand). Cytogenetic location: 12q13.13.
Variant type: single nucleotide variant.
Coding change: c.876C>T on transcript NM_031157.4 (MANE Select); coding-DNA position 876, C replaced by T.
Protein change: p.Asn292=; no amino-acid change (asparagine 292 retained).
Molecular consequence: synonymous variant. On other transcripts: intron variant (1).
Genome position (GRCh38, 1-based): chr12:54,283,203, C>T. VCF-style: chr12-54283203-C-T. GRCh37 (hg19) VCF-style: chr12-54676987-C-T.
Other names: c.751+329C>T (NM_002136.4).
Identifiers: ClinVar variation 3358429 (VCV003358429.1).